The following is an entry in ClinVar:

ClinVar aggregate classification (germline): Likely benign (1 of 4 stars; one submission).

Submission:

CeGaT Center for Human Genetics Tuebingen
Classification: Likely benign. Last evaluated: 2023-04-01. Review status: criteria provided, single submitter. Criteria: CeGaT Center For Human Genetics Tuebingen Variant Classification Criteria Version 2. Collection method: clinical testing. Allele origin: germline. Affected: yes. Observed: 1 variant allele.
Comment: DNAH9: PM2:Supporting, BP4, BP7

NM_001372.4(DNAH9):c.3828T>G (p.Ser1276=)

Gene: DNAH9 (dynein axonemal heavy chain 9; plus strand). Cytogenetic location: 17p12.
Variant type: single nucleotide variant.
Coding change: c.3828T>G on transcript NM_001372.4 (MANE Select); coding-DNA position 3828, T replaced by G.
Protein change: p.Ser1276=; no amino-acid change (serine 1276 retained).
Molecular consequence: synonymous variant.
Genome position (GRCh38, 1-based): chr17:11,689,650, T>G. VCF-style: chr17-11689650-T-G. GRCh37 (hg19) VCF-style: chr17-11592967-T-G.
Identifiers: ClinVar variation 2647487 (VCV002647487.24), dbSNP rs2544410049, ClinGen allele CA497981004.
Genomic context (GRCh38, chr17:11,689,650, plus strand): 5'-AATGCTGGATGCCAGGCACATCGAGATCCAGCAGATGGAATCCACTATGGCCTCCATTTC[T>G]GAGTCTGCCAGCTTATTTGAAGTCAATGTCCCTGACTATAAGCAGCTGAGGCAGTGCAGG-3'
Protein context (NP_001363.2, residues 1266-1286): QQMESTMASI[Ser1276=]ESASLFEVNV